The following is an entry in ClinVar:

NM_018129.4(PNPO):c.*2008A>G

Gene: PNPO (pyridoxamine 5'-phosphate oxidase; plus strand). Cytogenetic location: 17q21.32.
Variant type: single nucleotide variant.
Coding change: c.*2008A>G on transcript NM_018129.4 (MANE Select); 2008 bases downstream of the stop codon, A replaced by G.
Molecular consequence: 3 prime UTR variant.
Genome position (GRCh38, 1-based): chr17:47,948,790, A>G. VCF-style: chr17-47948790-A-G. GRCh37 (hg19) VCF-style: chr17-46026156-A-G.
Identifiers: ClinVar variation 323940 (VCV000323940.5), dbSNP rs1986693, ClinGen allele CA10649585.

ClinVar aggregate classification (germline): Benign (1 of 4 stars; one submission).

Conditions:
Pyridoxal phosphate-responsive seizures (PNPOD). Also called: Pyridoxal 5'-Phosphate (PLP)-Dependent Epilepsy; EPILEPTIC ENCEPHALOPATHY, NEONATAL, PNPO-RELATED; Pyridoxamine 5-Prime-Phosphate Oxidase Deficiency; Pyridoxine-5'-phosphate oxidase deficiency; SEIZURES, PYRIDOXINE-RESISTANT, PLP-SENSITIVE. Identifiers: Orphanet 79096, MedGen C1864723, MONDO:0012407, OMIM 610090. Disease mechanism: loss of function.

Allele frequency attached by ClinVar (database versions not stated): gnomAD 0.74708 and 0.75600; TOPMed 0.75910; 1000 Genomes Project 30x 0.80044; 1000 Genomes Project 0.80791; gnomAD exomes 0.81667.
gnomAD v4.1: 115,252 of 152,200 alleles (76%); highest among the groups gnomAD compares: East Asian, 100%; 44,477 homozygotes.

Submission:

Illumina Laboratory Services, Illumina
Classification: Benign for Pyridoxal phosphate-responsive seizures. Last evaluated: 2018-01-12. Review status: criteria provided, single submitter. Criteria: ICSL Variant Classification Criteria 13 December 2019. Collection method: clinical testing. Allele origin: germline.
Comment: This variant was observed in the ICSL laboratory as part of a predisposition screen in an ostensibly healthy population. It had not been previously curated by ICSL or reported in the Human Gene Mutation Database (HGMD: prior to June 1st, 2018), and was therefore a candidate for classification through an automated scoring system. Utilizing variant allele frequency, disease prevalence and penetrance estimates, and inheritance mode, an automated score was calculated to assess if this variant is too frequent to cause the disease. Based on the score and internal cut-off values, a variant classified as benign is not then subjected to further curation. The score for this variant resulted in a classification of benign for this disease.